The following is an entry in ClinVar:

ClinVar aggregate classification (germline): Conflicting classifications of pathogenicity. Review status: criteria provided, conflicting classifications (1 of 4 stars). 5 submissions from 5 submitters: Pathogenic (1); Uncertain significance (4). Last evaluated 2024-12-13.

Conditions:
Niemann-Pick disease, type A. Also called: Infantile Neurovisceral ASMD (Niemann-Pick Disease Type A; NPD-A); SPHINGOMYELIN LIPIDOSIS; SPHINGOMYELINASE DEFICIENCY. Identifiers: Orphanet 77292, MedGen C0268242, MONDO:0009756, OMIM 257200. Disease mechanism: loss of function.
Inborn genetic diseases. Identifiers: MedGen C0950123, MeSH D030342.
Niemann-Pick disease, type B. Also called: Chronic Visceral ASMD (Niemann-Pick Disease Type B; NPD-B). Identifiers: Orphanet 77293, MedGen C0268243, MONDO:0011871, OMIM 607616. Disease mechanism: loss of function.

Allele frequency attached by ClinVar (database versions not stated): gnomAD 0.00004 and 0.00008; gnomAD exomes 0.00005; ExAC 0.00008; TOPMed 0.00009.

Submissions (5):

Women's Health and Genetics/Laboratory Corporation of America, LabCorp
Classification: Uncertain significance. Last evaluated: 2024-12-13. Review status: criteria provided, single submitter. Criteria: LabCorp Variant Classification Summary - May 2015. Collection method: clinical testing. Allele origin: germline.
Comment: Variant summary: SMPD1 c.605G>A (p.Arg202His) results in a non-conservative amino acid change in the encoded protein sequence. Four of four in-silico tools predict a damaging effect of the variant on protein function. The variant allele was found at a frequency of 5.2e-05 in 231178 control chromosomes. This frequency is not significantly higher than estimated for a pathogenic variant in SMPD1 causing Niemann-Pick Disease (5.2e-05 vs 0.0022), allowing no conclusion about variant significance. c.605G>A has been reported in the literature in at-least one individual affected with Niemann-Pick Disease, this patient was also homozygous for a second variant in cis (example: Deshpande_2021). These report(s) do not provide unequivocal conclusions about association of the variant with Niemann-Pick Disease. One publication reports experimental evidence for a damaging impact on protein function, however, does not allow convincing conclusions about the variant effect (Deshpande_2021). The following publication has been ascertained in the context of this evaluation (PMID: 34273913). ClinVar contains an entry for this variant (Variation ID: 1173966). Based on the evidence outlined above, the variant was classified as uncertain significance.

GeneDx
Classification: Uncertain significance. Last evaluated: 2022-12-13. Review status: criteria provided, single submitter. Criteria: GeneDx Variant Classification Process June 2021. Collection method: clinical testing. Allele origin: germline. Affected: yes.
Comment: Observed in the apparent homozygous state in a patient in the literature with hepatomegaly, but no other clinical information was available on this patient (Deshpande et al., 2021); Published functional studies demonstrate a damaging effect: significantly reduced enzyme activity (Deshpande et al., 2021); This variant is associated with the following publications: (PMID: 34273913)

Labcorp Genetics (formerly Invitae), Labcorp
Classification: Uncertain significance for Niemann-Pick disease, type B; Niemann-Pick disease, type A. Last evaluated: 2022-08-22. Review status: criteria provided, single submitter. Criteria: Invitae Variant Classification Sherloc (09022015). Collection method: clinical testing. Allele origin: germline.
Comment: This sequence change replaces arginine, which is basic and polar, with histidine, which is basic and polar, at codon 202 of the SMPD1 protein (p.Arg202His). The frequency data for this variant in the population databases is considered unreliable, as metrics indicate poor data quality at this position in the gnomAD database. This missense change has been observed in individual(s) with clinical features of acid sphingomyelinase deficiency (PMID: 34273913). ClinVar contains an entry for this variant (Variation ID: 1173966). Advanced modeling of protein sequence and biophysical properties (such as structural, functional, and spatial information, amino acid conservation, physicochemical variation, residue mobility, and thermodynamic stability) performed at Invitae indicates that this missense variant is expected to disrupt SMPD1 protein function. Experimental studies have shown that this missense change affects SMPD1 function (PMID: 34273913). In summary, the available evidence is currently insufficient to determine the role of this variant in disease. Therefore, it has been classified as a Variant of Uncertain Significance.

Ambry Genetics
Classification: Uncertain significance for Inborn genetic diseases. Last evaluated: 2021-08-23. Review status: criteria provided, single submitter. Criteria: Ambry Variant Classification Scheme 2023. Collection method: clinical testing. Allele origin: germline.

Diagnostics Division, CENTRE FOR DNA FINGERPRINTING AND DIAGNOSTICS
Classification: Pathogenic for Niemann-Pick disease, type A. Last evaluated: 2021-04-25. Review status: criteria provided, single submitter. Criteria: ACMG Guidelines, 2015. Collection method: research. Allele origin: germline. Affected: yes. Observed: 1 variant allele.

Literature cited by the submitters: PubMed 34273913 (cited by Women's Health and Genetics/Laboratory Corporation of America, LabCorp and Labcorp Genetics (formerly Invitae), Labcorp).

NM_000543.5(SMPD1):c.605G>A (p.Arg202His)

Gene: SMPD1 (sphingomyelin phosphodiesterase 1; plus strand). Cytogenetic location: 11p15.4.
Variant type: single nucleotide variant.
Coding change: c.605G>A on transcript NM_000543.5 (MANE Select); coding-DNA position 605, G replaced by A.
Protein change: p.Arg202His; replaces arginine 202 with histidine.
Molecular consequence: missense variant. On other transcripts: 5 prime UTR variant (1), non-coding transcript variant (1).
Genome position (GRCh38, 1-based): chr11:6,391,670, G>A. VCF-style: chr11-6391670-G-A. GRCh37 (hg19) VCF-style: chr11-6412900-G-A.
Other names: c.602G>A, p.Arg201His (NM_001007593.3); c.605G>A, p.Arg202His (NM_001318087.2, NM_001365135.2); c.-357G>A (NM_001318088.2); short protein forms R201H, R202H.
Identifiers: ClinVar variation 1173966 (VCV001173966.7), dbSNP rs757850587, ClinGen allele CA5852645.